The following is an entry in ClinVar:

NM_001134363.3(RBM20):c.2748AGA[2] (p.Glu918del)

Gene: RBM20 (RNA binding motif protein 20; plus strand). Cytogenetic location: 10q25.2.
Variant type: Microsatellite.
Coding change: c.2748AGA[2] on transcript NM_001134363.3 (MANE Select); two copies in a row of the 3-base unit AGA starting at c.2748; the reference has three copies in a row; one copy, 3 bases deleted; also written c.2754_2756del.
Protein change: p.Glu918del; deletes glutamic acid 918.
Molecular consequence: inframe deletion.
Genome position (GRCh38, 1-based): chr10:110,821,373-110,821,375, AGA deleted; deleting any 3 consecutive bases within chr10:110,821,365-110,821,375 gives the same sequence; the position shown is the placement nearest the transcript's 3' end. VCF-style (leftmost placement, unchanged base first): chr10-110821364-GGAA-G. GRCh37 (hg19) VCF-style: chr10-112581122-GGAA-G.
Other names: c.2746_2748delGAA (NM_001134363.1); c.2754_2756del (NM_001134363.3, NM_001134363.2); short protein forms E918del.
Identifiers: ClinVar variation 645954 (VCV000645954.21), dbSNP rs765389992, ClinGen allele CA213229347.

ClinVar aggregate classification (germline): Uncertain significance. Review status: criteria provided, multiple submitters, no conflicts (2 of 4 stars). 9 submissions from 9 submitters: Uncertain significance (6). 3 of the submissions do not count toward it. Last evaluated 2026-10-08.

Conditions:
Cardiovascular phenotype. Identifiers: MedGen CN230736.
Dilated cardiomyopathy 1DD (CMD1DD). Identifiers: Orphanet 154, MedGen C2750995, MONDO:0013168, OMIM 613172.
RBM20-related disorder. Also called: RBM20-related condition.
Hypertrophic cardiomyopathy. Also called: HYPERTROPHIC MYOCARDIOPATHY. Identifiers: Orphanet 217569, MedGen C0007194, MeSH D002312, MONDO:0005045, HP:0001639.

Submissions (9):

GeneDx
Classification: Uncertain significance. Last evaluated: 2026-10-08. Review status: criteria provided, single submitter. Criteria: GeneDx Variant Classification Process June 2021. Collection method: clinical testing. Allele origin: germline.
Comment: In-frame deletion of 1 amino acid(s) in a non-repeat region; In silico analysis supports that this variant does not alter protein structure/function; Observed in a patient with non-ischemic cardiomyopathy (PMID: 35581137); This variant is associated with the following publications: (PMID: 35581137)

Labcorp Genetics (formerly Invitae), Labcorp
Classification: Uncertain significance for Dilated cardiomyopathy 1DD. Last evaluated: 2026-01-21. Review status: criteria provided, single submitter. Criteria: Invitae Variant Classification Sherloc (09022015). Collection method: clinical testing. Allele origin: germline.
Comment: This variant, c.2754_2756del, results in the deletion of 1 amino acid(s) of the RBM20 protein (p.Glu918del), but otherwise preserves the integrity of the reading frame. This variant is present in population databases (rs765389992, gnomAD 0.006%). This variant has not been reported in the literature in individuals affected with RBM20-related conditions. ClinVar contains an entry for this variant (Variation ID: 645954). Experimental studies and prediction algorithms are not available or were not evaluated, and the functional significance of this variant is currently unknown. In summary, the available evidence is currently insufficient to determine the role of this variant in disease. Therefore, it has been classified as a Variant of Uncertain Significance.

Ambry Genetics
Classification: Uncertain significance for Cardiovascular phenotype. Last evaluated: 2025-07-28. Review status: criteria provided, single submitter. Criteria: Ambry Variant Classification Scheme 2023. Collection method: clinical testing. Allele origin: germline.
Comment: The c.2754_2756delAGA variant (also known as p.E918del) is located in coding exon 11 of the RBM20 gene. This variant results from an in-frame AGA deletion at nucleotide positions 2754 to 2756. This results in the in-frame deletion of a glutamic acid at codon 918. This variant was detected in an individual with features consistent with non-ischemic cardiomyopathy who also had another variant in a different cardiomyopathy-related gene (Boen HM et al. J Heart Lung Transplant. 2022 Sep;41(9):1218-1227). This amino acid position is not well conserved in available vertebrate species. In addition, this alteration is predicted to be neutral by in silico analysis (Choi Y et al. PLoS ONE. 2012; 7(10):e46688). Based on the available evidence, the clinical significance of this variant remains unclear.

Blueprint Genetics
Classification: Uncertain significance. Last evaluated: 2024-07-26. Review status: criteria provided, single submitter. Criteria: ACMG Guidelines, 2015. Collection method: clinical testing. Allele origin: germline.

Fulgent Genetics
Classification: Uncertain significance for Dilated cardiomyopathy 1DD. Last evaluated: 2021-07-22. Review status: criteria provided, single submitter. Criteria: ACMG Guidelines, 2015. Collection method: clinical testing. Allele origin: unknown.

Loeys Lab, Universiteit Antwerpen
Classification: Uncertain significance for Hypertrophic cardiomyopathy. Last evaluated: 2021-02-26. Review status: criteria provided, single submitter. Criteria: ACMG Guidelines, 2015. Collection method: clinical testing. Allele origin: somatic. Affected: yes. Observed: 1 variant allele, 1 heterozygote.
Comment: This sequence change results in an in-frame delation in the RBM20 gene (p.(Glu918del)). This variant is present in population databases such as GnomAD (6/188026). The variant has not been described in literature before. No functional data are available. This variant was identified in a family with HCM. No data on segregation are available. In conclusion this variant was classified a variant of unknown significance according to ACMG-guidelines (insufficient data, criteria for other classification are not met).

PreventionGenetics, part of Exact Sciences
Classification: Uncertain significance for RBM20-related condition. Last evaluated: 2023-11-22. Review status: no assertion criteria provided. Collection method: clinical testing. Allele origin: germline. Not counted in ClinVar's aggregate classification.
Comment: The RBM20 c.2754_2756delAGA variant is predicted to result in an in-frame deletion (p.Glu918del). This variant was reported in an individual with hypertrophic cardiomyopathy (described as c.2746_2748delGAA, Boen et al. 2022. PubMed ID: 35581137). This variant is reported in 0.0060% of alleles in individuals of African descent in gnomAD. At this time, the clinical significance of this variant is uncertain due to the absence of conclusive functional and genetic evidence.

Clinical Genetics, Academic Medical Center
Classification: Uncertain significance. Review status: no assertion criteria provided. Collection method: clinical testing. Allele origin: germline. Affected: yes. Study: VKGL Data-share Consensus. Not counted in ClinVar's aggregate classification.

Diagnostic Laboratory, Department of Genetics, University Medical Center Groningen
Classification: Uncertain significance. Review status: no assertion criteria provided. Collection method: clinical testing. Allele origin: germline. Affected: yes. Study: VKGL Data-share Consensus. Not counted in ClinVar's aggregate classification.

Literature cited by the submitters: PubMed 35581137 (cited by Ambry Genetics).